The following is an entry in ClinVar:

ClinVar aggregate classification (germline): Benign/Likely benign. Review status: criteria provided, multiple submitters, no conflicts (2 of 4 stars). 4 submissions from 4 submitters: Benign (1); Likely benign (2). 1 of the submissions does not count toward it. Last evaluated 2025-08-11.

Conditions:
NSD1-related disorder. Also called: NSD1-related condition.

Allele frequency attached by ClinVar (database versions not stated): gnomAD 0.00006; TOPMed 0.00006; ExAC 0.00007; gnomAD exomes 0.00009 and 0.00010; ESP Exome Variant Server 0.00015.
gnomAD v4.1: 150 of 1,614,096 alleles (0.0093%); highest among the groups gnomAD compares: Non-Finnish European, 0.012%; no homozygotes.

Submissions (4):

Labcorp Genetics (formerly Invitae), Labcorp
Classification: Likely benign. Last evaluated: 2025-08-11. Review status: criteria provided, single submitter. Criteria: Invitae Variant Classification Sherloc (09022015). Collection method: clinical testing. Allele origin: germline.

Blueprint Genetics
Classification: Likely benign. Last evaluated: 2024-10-23. Review status: criteria provided, single submitter. Criteria: ACMG Guidelines, 2015. Collection method: clinical testing. Allele origin: germline.

Genetic Services Laboratory, University of Chicago
Classification: Benign. Last evaluated: 2013-02-08. Review status: criteria provided, single submitter. Criteria: ACMG Guidelines, 2007. Collection method: clinical testing. Allele origin: germline. Inheritance: Autosomal dominant inheritance.

PreventionGenetics, part of Exact Sciences
Classification: Likely benign for NSD1-related condition. Last evaluated: 2023-11-20. Review status: no assertion criteria provided. Collection method: clinical testing. Allele origin: germline. Not counted in ClinVar's aggregate classification.
Comment: This variant is classified as likely benign based on ACMG/AMP sequence variant interpretation guidelines (Richards et al. 2015 PMID: 25741868, with internal and published modifications).

NM_022455.5(NSD1):c.395G>C (p.Cys132Ser)

Gene: NSD1 (nuclear receptor binding SET domain protein 1; plus strand). Cytogenetic location: 5q35.3.
Variant type: single nucleotide variant.
Coding change: c.395G>C on transcript NM_022455.5 (MANE Select); coding-DNA position 395, G replaced by C.
Protein change: p.Cys132Ser; replaces cysteine 132 with serine.
Molecular consequence: missense variant. On other transcripts: intron variant (7).
Genome position (GRCh38, 1-based): chr5:177,135,498, G>C. VCF-style: chr5-177135498-G-C. GRCh37 (hg19) VCF-style: chr5-176562499-G-C.
Other names: c.395G>C, p.Cys132Ser (NM_001409301.1, NM_001409302.1, NM_001409303.1 and 1 more transcripts); c.-37+298G>C (NM_001409305.1, NM_001409306.1, NM_001409308.1 and 4 more transcripts); short protein forms C132S.
Identifiers: ClinVar variation 159317 (VCV000159317.17), dbSNP rs28932174, ClinGen allele CA172819.